The following is an entry in ClinVar:

NM_001004325.2(KRTAP5-2):c.267C>G (p.Gly89=)

Genes: KRTAP5-2 (keratin associated protein 5-2; minus strand), KRTAP5-AS1 (KRTAP5-1/KRTAP5-2 antisense RNA 1; plus strand). Cytogenetic location: 11p15.5.
Variant type: single nucleotide variant.
Coding change: c.267C>G on transcript NM_001004325.2 (MANE Select); coding-DNA position 267, C replaced by G.
Protein change: p.Gly89=; no amino-acid change (glycine 89 retained).
Molecular consequence: synonymous variant. On other transcripts: non-coding transcript variant (1).
Genome position (GRCh38, 1-based): chr11:1,597,984, G>C on the plus strand (C>G on the coding strand, the complement: KRTAP5-2 is on the minus strand). VCF-style: chr11-1597984-G-C. GRCh37 (hg19) VCF-style: chr11-1619214-G-C.
Identifiers: ClinVar variation 4874712 (VCV004874712.2).

ClinVar aggregate classification (germline): Likely benign (1 of 4 stars; one submission).

Submission:

CeGaT Center for Human Genetics Tuebingen
Classification: Likely benign. Last evaluated: 2026-04-01. Review status: criteria provided, single submitter. Criteria: CeGaT Center For Human Genetics Tuebingen Variant Classification Criteria Version 2. Collection method: clinical testing. Allele origin: germline. Affected: yes. Observed: 1 variant allele.
Comment: KRTAP5-2: PM2:Supporting, BP4, BP7